The following is an entry in ClinVar:

ClinVar aggregate classification (germline): Pathogenic/Likely pathogenic. Review status: criteria provided, multiple submitters, no conflicts (2 of 4 stars). 19 submissions from 19 submitters: Pathogenic (15); Likely pathogenic (3). 1 of the submissions does not count toward it. Last evaluated 2025-12-29.

Conditions:
ATM-related disorder. Also called: ATM-related disorders; ATM-related condition.
Hereditary cancer-predisposing syndrome. Also called: Hereditary neoplastic syndrome; Tumor predisposition; Neoplastic Syndromes, Hereditary; Hereditary Cancer Syndrome. Identifiers: Orphanet 140162, MedGen C0027672, MeSH D009386, MONDO:0015356.
Ataxia-telangiectasia syndrome (AT). Also called: Ataxia telangiectasia (A-T); LOUIS-BAR SYNDROME; Ataxia-telangiectasia; Cerebello-oculocutaneous telangiectasia; Immunodeficiency with ataxia telangiectasia; Ataxia-telangiectasia, complementation group D. Identifiers: Orphanet 100, MedGen C0004135, MONDO:0008840, OMIM 208900.
Familial cancer of breast. Also called: hereditary breast carcinoma; Hereditary breast cancer; BREAST CANCER, FAMILIAL. Identifiers: Orphanet 227535, MedGen C0346153, MONDO:0016419, OMIM 114480. Disease mechanism: loss of function.

Submissions 1 to 14 of 19:

Center for Genomic Medicine, Rigshospitalet, Copenhagen University Hospital
Classification: Pathogenic. Last evaluated: 2025-12-29. Review status: criteria provided, single submitter. Criteria: ACMG Guidelines, 2015. Collection method: clinical testing. Allele origin: germline.

Labcorp Genetics (formerly Invitae), Labcorp
Classification: Pathogenic for Ataxia-telangiectasia syndrome. Last evaluated: 2025-10-21. Review status: criteria provided, single submitter. Criteria: Invitae Variant Classification Sherloc (09022015). Collection method: clinical testing. Allele origin: germline.
Comment: This sequence change creates a premature translational stop signal (p.Ser160Alafs*23) in the ATM gene. It is expected to result in an absent or disrupted protein product. Loss-of-function variants in ATM are known to be pathogenic (PMID: 23807571, 25614872). This variant is not present in population databases (gnomAD no frequency). This premature translational stop signal has been observed in individual(s) with breast and/or ovarian cancer (PMID: 26270727). ClinVar contains an entry for this variant (Variation ID: 185501). For these reasons, this variant has been classified as Pathogenic.

Natera, Inc.
Classification: Pathogenic for Ataxia-telangiectasia. Last evaluated: 2024-06-28. Review status: criteria provided, single submitter. Criteria: Natera Variant Classification Schema (03/2026). Collection method: clinical testing. Allele origin: germline.
Comment: The c.478_482delTCTCA variant in ATM is a frameshift variant predicted to shift the reading frame beginning at codon 160 and leads to a stop codon 23 codons downstream. This variant is expected to result in nonsense mediated decay, truncation, or a dysfunctional protein product. This variant is rare in the general population with a frequency below the threshold expected for the associated phenotype(s). This variant has been observed in one or more individuals affected with the associated recessive disease, as either homozygous or compound heterozygous with a second variant (PMID: 30420857). Given the available evidence, this variant is classified as Pathogenic.

Ambry Genetics
Classification: Pathogenic for Hereditary cancer-predisposing syndrome. Last evaluated: 2024-06-27. Review status: criteria provided, single submitter. Criteria: Ambry Variant Classification Scheme 2023. Collection method: clinical testing. Allele origin: germline.
Comment: The c.478_482delTCTCA pathogenic mutation, located in coding exon 4 of the ATM gene, results from a deletion of 5 nucleotides at nucleotide positions 478 to 482, causing a translational frameshift with a predicted alternate stop codon (p.S160Afs*23). This variant was reported in an individual with ataxia telangiectasia (A-T); a second ATM variant was not identified for this patient, but protein analysis showed severely reduced protein levels (Izatt L et al. Eur. J. Hum. Genet. 1999 Apr;7:310-20). This variant has also been identified in the homozygous state and/or in conjunction with other ATM variant(s) in individual(s) with features consistent with ataxia telangiectasia (Bakhtiar S et al. Front Immunol, 2018 Oct;9:2495). This variant was reported in 4/60466 breast cancer cases and in 0/53461 controls (Dorling et al. N Engl J Med. 2021 02;384:428-439). This variant is considered to be rare based on population cohorts in the Genome Aggregation Database (gnomAD). In addition to the clinical data presented in the literature, this alteration is expected to result in loss of function by premature protein truncation or nonsense-mediated mRNA decay. As such, this alteration is interpreted as a disease-causing mutation.

Fulgent Genetics
Classification: Pathogenic for Familial cancer of breast; Ataxia-telangiectasia syndrome. Last evaluated: 2024-06-10. Review status: criteria provided, single submitter. Criteria: ACMG Guidelines, 2015. Collection method: clinical testing. Allele origin: germline.

CeGaT Center for Human Genetics Tuebingen
Classification: Pathogenic. Last evaluated: 2024-04-01. Review status: criteria provided, single submitter. Criteria: CeGaT Center For Human Genetics Tuebingen Variant Classification Criteria Version 2. Collection method: clinical testing. Allele origin: germline. Affected: yes. Observed: 1 variant allele.
Comment: ATM: PVS1, PM2, PS4:Supporting

Color Diagnostics, LLC DBA Color Health
Classification: Pathogenic for Hereditary cancer-predisposing syndrome. Last evaluated: 2024-04-01. Review status: criteria provided, single submitter. Criteria: ACMG Guidelines, 2015. Collection method: clinical testing. Allele origin: germline.
Comment: This variant deletes 5 nucleotides in exon 5 of the ATM gene, creating a frameshift and premature translation stop signal. This variant is expected to result in an absent or non-functional protein product. This variant has been reported in individuals with ataxia-telangiectasia in the literature (PMID: 10234507, 30420857). This variant has been identified in 1/251342 chromosomes in the general population by the Genome Aggregation Database (gnomAD). Loss of ATM function is a known mechanism of disease. Based on the available evidence, this variant is classified as Pathogenic.

Myriad Genetics, Inc.
Classification: Pathogenic for Familial cancer of breast. Last evaluated: 2024-01-10. Review status: criteria provided, single submitter. Criteria: Myriad Autosomal Dominant, Autosomal Recessive and X-Linked Classification Criteria (2023). Collection method: clinical testing. Allele origin: unknown.
Comment: This variant is considered pathogenic. This variant creates a frameshift predicted to result in premature protein truncation.

Baylor Genetics
Classification: Pathogenic for Familial cancer of breast. Last evaluated: 2023-12-15. Review status: criteria provided, single submitter. Criteria: ACMG Guidelines, 2015. Collection method: clinical testing. Allele origin: unknown.

GeneDx
Classification: Pathogenic. Last evaluated: 2023-11-19. Review status: criteria provided, single submitter. Criteria: GeneDx Variant Classification Process June 2021. Collection method: clinical testing. Allele origin: germline. Affected: yes.
Comment: Frameshift variant predicted to result in protein truncation or nonsense mediated decay in a gene for which loss-of-function is a known mechanism of disease; Observed in individuals with a personal or family history consistent with pathogenic variants in this gene (PMID: 26270727); Reported in the compound heterozygous state in a child with ataxia-telangiectasia (PMID: 30420857); Not observed at significant frequency in large population cohorts (gnomAD); Truncating variants in this gene are considered pathogenic by a well-established clinical consortium and/or database; This variant is associated with the following publications: (PMID: 21933854, 10234507, 23726790, 31360874, 37715651, 31447099, 30420857, 26270727)

Department of Clinical Genetics, Copenhagen University Hospital, Rigshospitalet
Classification: Pathogenic for Ataxia-telangiectasia syndrome. Last evaluated: 2023-11-03. Review status: criteria provided, single submitter. Criteria: ACMG Guidelines, 2015. Collection method: clinical testing. Allele origin: germline. Affected: yes.
Comment: The following ACMG criteria is used: PVS1, PM2_Supporting (not reported in gnomAD), PM3_Supporting (detected in trans with a pathogenic variant).

Women's Health and Genetics/Laboratory Corporation of America, LabCorp
Classification: Pathogenic for Ataxia-telangiectasia syndrome. Last evaluated: 2023-01-01. Review status: criteria provided, single submitter. Criteria: LabCorp Variant Classification Summary - May 2015. Collection method: clinical testing. Allele origin: germline.
Comment: Variant summary: ATM c.478_482delTCTCA (p.Ser160AlafsX23) results in a premature termination codon, predicted to cause a truncation of the encoded protein or absence of the protein due to nonsense mediated decay, which are commonly known mechanisms for disease. The variant allele was found at a frequency of 4e-06 in 251342 control chromosomes. c.478_482delTCTCA has been reported in the literature as a presumably compound heterozygous genotype in at-least one individual with Ataxia-Telangiectasia and as a carrier genotype in an individual with breast cancer (example, Izatt_1999, Desmond_2015). To our knowledge, no experimental evidence demonstrating an impact on protein function has been reported. Eight clinical diagnostic laboratories have submitted clinical-significance assessments for this variant to ClinVar after 2014 without evidence for independent evaluation. All laboratories classified the variant as pathogenic/likely pathogenic. Based on the evidence outlined above, the variant was classified as pathogenic.

Institute for Biomarker Research, Medical Diagnostic Laboratories, L.L.C.
Classification: Pathogenic for Hereditary cancer-predisposing syndrome. Last evaluated: 2022-05-11. Review status: criteria provided, single submitter. Criteria: ACMG Guidelines, 2015. Collection method: clinical testing. Allele origin: germline.

Institute of Medical Genetics and Applied Genomics, University Hospital Tübingen
Classification: Pathogenic. Last evaluated: 2020-10-23. Review status: criteria provided, single submitter. Criteria: ACMG Guidelines, 2015. Collection method: clinical testing. Allele origin: germline. Inheritance: Autosomal unknown. Affected: yes.

NM_000051.4(ATM):c.478_482del (p.Ser160fs)

Gene: ATM (ATM serine/threonine kinase; plus strand). Cytogenetic location: 11q22.3.
Variant type: Deletion.
Coding change: c.478_482del on transcript NM_000051.4 (MANE Select); coding-DNA positions 478 to 482, 5 bases deleted (TCTCA; older notation c.478_482delTCTCA).
Protein change: p.Ser160fs; shifts the reading frame from serine 160.
Molecular consequence: frameshift variant.
Genome position (GRCh38, 1-based): chr11:108,235,816-108,235,820, TCTCA deleted; deleting any 5 consecutive bases within chr11:108,235,815-108,235,820 gives the same sequence; the c. name uses the placement nearest the transcript's 3' end. VCF-style (leftmost placement, unchanged base first): chr11-108235814-TATCTC-T. GRCh37 (hg19) VCF-style: chr11-108106541-TATCTC-T.
Other names: c.478_482del, p.Ser160fs (NM_001351834.2); c.478_482delTCTCA (NM_000051.4, NM_000051.3); short protein forms S160fs.
Identifiers: ClinVar variation 185501 (VCV000185501.67), dbSNP rs587780624, ClinGen allele CA192140.